The following is an entry in ClinVar:

NM_000138.5(FBN1):c.3273G>A (p.Gly1091=)

Gene: FBN1 (fibrillin 1; minus strand). Cytogenetic location: 15q21.1.
Variant type: single nucleotide variant.
Coding change: c.3273G>A on transcript NM_000138.5 (MANE Select); coding-DNA position 3273, G replaced by A.
Protein change: p.Gly1091=; no amino-acid change (glycine 1091 retained).
Molecular consequence: synonymous variant.
Genome position (GRCh38, 1-based): chr15:48,488,177, C>T on the plus strand (G>A on the coding strand, the complement: FBN1 is on the minus strand). VCF-style: chr15-48488177-C-T. GRCh37 (hg19) VCF-style: chr15-48780374-C-T.
Other names: c.3273G>A, p.Gly1091= (NM_001406716.1).
Identifiers: ClinVar variation 2773360 (VCV002773360.3), dbSNP rs2505552577, ClinGen allele CA490018705.
Genomic context (GRCh38, chr15:48,488,177, plus strand): 5'-GCAGTTCTTCATCATCATGAATCCACTTTCATAGCCTTCGTCACACTTGCATTCAAAGTC[C>T]CCAGGGGTGTTCACACACTGGCCTCTGCCACAGAGGTCAGGAGATATGCGGCATTCGTCA-3'
Protein context (NP_000129.3, residues 1081-1101): CGRGQCVNTP[Gly1091=]DFECKCDEGY

ClinVar aggregate classification (germline): Likely benign. Review status: criteria provided, multiple submitters, no conflicts (2 of 4 stars). 2 submissions from 2 submitters: Likely benign (2). Last evaluated 2023-03-28.

Conditions:
Marfan syndrome (MFS). Also called: FBN1-Related Marfan Syndrome; MARFAN SYNDROME, TYPE I; Marfan syndrome type 1; Marfan's syndrome; Marfan syndrome, classic. Identifiers: Orphanet 284963, Orphanet 558, MedGen C0024796, MONDO:0007947, OMIM 154700.
Familial thoracic aortic aneurysm and aortic dissection (TAAD). Also called: Thoracic aortic aneurysms and dissections. Identifiers: Orphanet 91387, MedGen C4707243, MONDO:0019625.

gnomAD v4.1: 2 of 1,614,178 alleles (0.00012%); highest among the groups gnomAD compares: Non-Finnish European, 0.00017%; no homozygotes.

Submissions (2):

All of Us Research Program, National Institutes of Health
Classification: Likely benign for Marfan syndrome. Last evaluated: 2023-03-28. Review status: criteria provided, single submitter. Criteria: ACMG Guidelines, 2015. Collection method: clinical testing. Allele origin: germline. Inheritance: Autosomal dominant inheritance. Observed: 1 variant allele, 1 heterozygote.
Comment: This study involves interpretation of variants in research participants for the purpose of population health screening. Participant phenotype was not available at the time of variant classification. Additional details can be found in publication PMID: 35346344, PMCID: PMC8962531

Color Diagnostics, LLC DBA Color Health
Classification: Likely benign for Familial thoracic aortic aneurysm and aortic dissection. Last evaluated: 2022-07-11. Review status: criteria provided, single submitter. Criteria: ACMG Guidelines, 2015. Collection method: clinical testing. Allele origin: germline.